The following is an entry in ClinVar:

ClinVar aggregate classification (germline): Uncertain significance (1 of 4 stars; one submission).

gnomAD v4.1: 3 of 1,613,970 alleles (0.00019%); highest among the groups gnomAD compares: Non-Finnish European, 0.00025%; no homozygotes.

Submission:

Ambry Genetics
Classification: Uncertain significance. Last evaluated: 2025-08-25. Review status: criteria provided, single submitter. Criteria: Ambry Variant Classification Scheme 2023. Collection method: clinical testing. Allele origin: germline.
Comment: The p.N253K variant (also known as c.759C>G), located in coding exon 1 of the TET2 gene, results from a C to G substitution at nucleotide position 759. The asparagine at codon 253 is replaced by lysine, an amino acid with similar properties. This amino acid position is conserved. In addition, this alteration is predicted to be tolerated by in silico analysis. Based on the available evidence, the clinical significance of this variant remains unclear.

NM_001127208.3(TET2):c.759C>G (p.Asn253Lys)

Genes: TET2 (tet methylcytosine dioxygenase 2; plus strand), TET2-AS1 (TET2 antisense RNA 1; minus strand). Cytogenetic location: 4q24.
Variant type: single nucleotide variant.
Coding change: c.759C>G on transcript NM_001127208.3 (MANE Select); coding-DNA position 759, C replaced by G.
Protein change: p.Asn253Lys; replaces asparagine 253 with lysine.
Molecular consequence: missense variant.
Genome position (GRCh38, 1-based): chr4:105,234,701, C>G. VCF-style: chr4-105234701-C-G. GRCh37 (hg19) VCF-style: chr4-106155858-C-G.
Other names: c.759C>G, p.Asn253Lys (NM_017628.4); short protein forms N253K.
Identifiers: ClinVar variation 4183036 (VCV004183036.1).